The following is an entry in ClinVar:

ClinVar aggregate classification (germline): Pathogenic (0 of 4 stars; one submission).

Conditions:
Fanconi anemia complementation group A (FANCA). Also called: Fanconi anemia, group A; FANCA-Related Fanconi Anemia. Identifiers: Orphanet 84, MedGen C3469521, MONDO:0009215, OMIM 227650.

Submission:

Leiden Open Variation Database
Classification: Pathogenic for Fanconi anemia complementation group A. Last evaluated: 2020-02-28. Review status: no assertion criteria provided. Collection method: curation. Allele origin: germline. Affected: yes.
Comment: Curator: Arleen D. Auerbach. Submitter to LOVD: Arleen D. Auerbach.

NM_000135.4(FANCA):c.1627-1G>T

Gene: FANCA (FA complementation group A; minus strand). Cytogenetic location: 16q24.3.
Variant type: single nucleotide variant.
Coding change: c.1627-1G>T on transcript NM_000135.4 (MANE Select); the canonical splice acceptor site of the intron before coding-DNA position 1627, G replaced by T.
Molecular consequence: splice acceptor variant.
Genome position (GRCh38, 1-based): chr16:89,779,958, C>A on the plus strand (G>T on the coding strand, the complement: FANCA is on the minus strand). VCF-style: chr16-89779958-C-A. GRCh37 (hg19) VCF-style: chr16-89846366-C-A.
Other names: c.1627-1G>T (NM_001286167.3).
Identifiers: ClinVar variation 974321 (VCV000974321.1), dbSNP rs2039644862, ClinGen allele CA397456643.